The following is an entry in ClinVar:

NM_001040436.3(YARS2):c.930G>C (p.Pro310=)

Gene: YARS2 (tyrosyl-tRNA synthetase 2; minus strand). Cytogenetic location: 12p11.21.
Variant type: single nucleotide variant.
Coding change: c.930G>C on transcript NM_001040436.3 (MANE Select); coding-DNA position 930, G replaced by C.
Protein change: p.Pro310=; no amino-acid change (proline 310 retained).
Molecular consequence: synonymous variant.
Genome position (GRCh38, 1-based): chr12:32,753,935, C>G on the plus strand (G>C on the coding strand, the complement: YARS2 is on the minus strand). VCF-style: chr12-32753935-C-G. GRCh37 (hg19) VCF-style: chr12-32906869-C-G.
Identifiers: ClinVar variation 378867 (VCV000378867.37), dbSNP rs147551647, ClinGen allele CA6508066.
Genomic context (GRCh38, chr12:32,753,935, plus strand): 5'-GTTTATGGTGTCAGTTTTTCTCAGCCCATTATTCAGAACTCACCTTTCCACTGAATCGTC[C>G]GGTTGCCTGACAAAGAATTGATACAATTCAAATGGAGATGTCTTATCTCTGTTTAGCCAA-3'
Protein context (NP_001035526.1, residues 300-320): FELYQFFVRQ[Pro310=]DDSVERYLKL

ClinVar aggregate classification (germline): Likely benign. Review status: criteria provided, multiple submitters, no conflicts (2 of 4 stars). 4 submissions from 4 submitters: Likely benign (3). 1 of the submissions does not count toward it. Last evaluated 2026-08-01.

Conditions:
YARS2-related disorder. Also called: YARS2-related condition.

Allele frequency attached by ClinVar (database versions not stated): 1000 Genomes Project 30x 0.00016; TOPMed 0.00017.
gnomAD v4.1: 269 of 1,614,140 alleles (0.017%); highest among the groups gnomAD compares: Admixed American, 0.1%; 2 homozygotes.

Submissions (4):

CeGaT Center for Human Genetics Tuebingen
Classification: Likely benign. Last evaluated: 2026-08-01. Review status: criteria provided, single submitter. Criteria: CeGaT Center For Human Genetics Tuebingen Variant Classification Criteria Version 2. Collection method: clinical testing. Allele origin: germline. Affected: yes. Observed: 4 variant alleles.
Comment: YARS2: BP4, BP7

Labcorp Genetics (formerly Invitae), Labcorp
Classification: Likely benign. Last evaluated: 2026-01-01. Review status: criteria provided, single submitter. Criteria: Invitae Variant Classification Sherloc (09022015). Collection method: clinical testing. Allele origin: germline.

GeneDx
Classification: Likely benign. Last evaluated: 2019-12-27. Review status: criteria provided, single submitter. Criteria: GeneDx Variant Classification Process June 2021. Collection method: clinical testing. Allele origin: germline. Affected: yes.

PreventionGenetics, part of Exact Sciences
Classification: Likely benign for YARS2-related condition. Last evaluated: 2019-03-04. Review status: no assertion criteria provided. Collection method: clinical testing. Allele origin: germline. Not counted in ClinVar's aggregate classification.
Comment: This variant is classified as likely benign based on ACMG/AMP sequence variant interpretation guidelines (Richards et al. 2015 PMID: 25741868, with internal and published modifications).